The following is an entry in ClinVar:

ClinVar aggregate classification (germline): Uncertain significance. Review status: criteria provided, multiple submitters, no conflicts (2 of 4 stars). 2 submissions from 2 submitters: Uncertain significance (2). Last evaluated 2024-05-14.

Conditions:
Charcot-Marie-Tooth disease X-linked dominant 6. Also called: CHARCOT-MARIE-TOOTH NEUROPATHY, X-LINKED DOMINANT, 6. Identifiers: Orphanet 352675, MedGen C3806702, MONDO:0010479, OMIM 300905.

Allele frequency attached by ClinVar (database versions not stated): gnomAD exomes 0.00001; TOPMed 0.00002.
gnomAD v4.1: 7 of 1,206,671 alleles (0.00058%); highest among the groups gnomAD compares: Admixed American, 0.015%; no homozygotes.

Submissions (2):

Ambry Genetics
Classification: Uncertain significance. Last evaluated: 2024-05-14. Review status: criteria provided, single submitter. Criteria: Ambry Variant Classification Scheme 2023. Collection method: clinical testing. Allele origin: germline.

Labcorp Genetics (formerly Invitae), Labcorp
Classification: Uncertain significance for Charcot-Marie-Tooth disease X-linked dominant 6. Last evaluated: 2024-03-02. Review status: criteria provided, single submitter. Criteria: Invitae Variant Classification Sherloc (09022015). Collection method: clinical testing. Allele origin: germline.
Comment: This sequence change replaces proline, which is neutral and non-polar, with arginine, which is basic and polar, at codon 231 of the PDK3 protein (p.Pro231Arg). This variant is present in population databases (no rsID available, gnomAD 0.007%), including at least one homozygous and/or hemizygous individual. This variant has not been reported in the literature in individuals affected with PDK3-related conditions. ClinVar contains an entry for this variant (Variation ID: 934194). Advanced modeling of protein sequence and biophysical properties (such as structural, functional, and spatial information, amino acid conservation, physicochemical variation, residue mobility, and thermodynamic stability) performed at Invitae indicates that this missense variant is not expected to disrupt PDK3 protein function with a negative predictive value of 80%. In summary, the available evidence is currently insufficient to determine the role of this variant in disease. Therefore, it has been classified as a Variant of Uncertain Significance.

NM_005391.5(PDK3):c.692C>G (p.Pro231Arg)

Gene: PDK3 (pyruvate dehydrogenase kinase 3; plus strand). Cytogenetic location: Xp22.11.
Variant type: single nucleotide variant.
Coding change: c.692C>G on transcript NM_005391.5 (MANE Select); coding-DNA position 692, C replaced by G.
Protein change: p.Pro231Arg; replaces proline 231 with arginine.
Molecular consequence: missense variant.
Genome position (GRCh38, 1-based): chrX:24,526,216, C>G. VCF-style: chrX-24526216-C-G. GRCh37 (hg19) VCF-style: chrX-24544333-C-G.
Other names: c.692C>G, p.Pro231Arg (NM_001142386.3); short protein forms P231R.
Identifiers: ClinVar variation 934194 (VCV000934194.10), dbSNP rs1051776582, ClinGen allele CA327706384.